The following is an entry in ClinVar:

NM_002294.3(LAMP2):c.646G>T (p.Glu216Ter)

Gene: LAMP2 (lysosome associated membrane protein 2; minus strand). Cytogenetic location: Xq24.
Variant type: single nucleotide variant.
Coding change: c.646G>T on transcript NM_002294.3 (MANE Select); coding-DNA position 646, G replaced by T.
Protein change: p.Glu216Ter; replaces glutamic acid 216 with a stop codon.
Molecular consequence: nonsense.
Genome position (GRCh38, 1-based): chrX:120,447,936, C>A on the plus strand (G>T on the coding strand, the complement: LAMP2 is on the minus strand). VCF-style: chrX-120447936-C-A. GRCh37 (hg19) VCF-style: chrX-119581791-C-A.
Other names: c.646G>T, p.Glu216Ter (NM_001122606.1, NM_013995.2); short protein forms E216*.
Identifiers: ClinVar variation 1074071 (VCV001074071.8), dbSNP rs2147282434, ClinGen allele CA414401484.

ClinVar aggregate classification (germline): Pathogenic (1 of 4 stars; one submission).

Conditions:
Danon disease. Also called: PSEUDOGLYCOGENOSIS II; GSD IIb; LYSOSOMAL GLYCOGEN STORAGE DISEASE WITHOUT ACID MALTASE DEFICIENCY; ANTOPOL DISEASE; Glycogen Storage Disease Type IIb. Identifiers: Orphanet 34587, MedGen C0878677, MONDO:0010281, OMIM 300257.

Submissions (2):

Labcorp Genetics (formerly Invitae), Labcorp
Classification: Pathogenic for Danon disease. Last evaluated: 2022-02-03. Review status: criteria provided, single submitter. Criteria: Invitae Variant Classification Sherloc (09022015). Collection method: clinical testing. Allele origin: germline.
Comment: This variant is not present in population databases (gnomAD no frequency). This variant has not been reported in the literature in individuals affected with LAMP2-related conditions. ClinVar contains an entry for this variant (Variation ID: 1074071). Algorithms developed to predict the effect of sequence changes on RNA splicing suggest that this variant may create or strengthen a splice site. For these reasons, this variant has been classified as Pathogenic. This sequence change creates a premature translational stop signal (p.Glu216*) in the LAMP2 gene. It is expected to result in an absent or disrupted protein product. Loss-of-function variants in LAMP2 are known to be pathogenic (PMID: 21415759).

Dr. Peter K. Rogan Lab, Western University
No classification provided (evidence only). Condition: Thyroid cancer, nonmedullary, 1. Review status: no classification provided. Collection method: in vitro. Allele origin: not applicable. Functional consequence: retained intron. Not counted in ClinVar's aggregate classification.

Literature cited by the submitters: PubMed 21415759 (cited by Labcorp Genetics (formerly Invitae), Labcorp).